The following is an entry in ClinVar:

ClinVar aggregate classification (germline): Uncertain significance (1 of 4 stars; one submission).

Conditions:
Cryptosporidiosis-chronic cholangitis-liver disease syndrome. Also called: Immunodeficiency type 56; IL21R immunodeficiency. Identifiers: Orphanet 357329, MedGen C3554687, MONDO:0014082, OMIM 615207.

Allele frequency attached by ClinVar (database versions not stated): TOPMed below 0.00001; gnomAD 0.00001.
gnomAD v4.1: 42 of 1,498,098 alleles (0.0028%); highest among the groups gnomAD compares: Non-Finnish European, 0.0037%; no homozygotes.

Submission:

Labcorp Genetics (formerly Invitae), Labcorp
Classification: Uncertain significance for Cryptosporidiosis-chronic cholangitis-liver disease syndrome. Last evaluated: 2023-09-19. Review status: criteria provided, single submitter. Criteria: Invitae Variant Classification Sherloc (09022015). Collection method: clinical testing. Allele origin: germline.
Comment: This sequence change replaces serine, which is neutral and polar, with leucine, which is neutral and non-polar, at codon 227 of the IL21R protein (p.Ser227Leu). This variant is not present in population databases (gnomAD no frequency). This variant has not been reported in the literature in individuals affected with IL21R-related conditions. Advanced modeling of protein sequence and biophysical properties (such as structural, functional, and spatial information, amino acid conservation, physicochemical variation, residue mobility, and thermodynamic stability) performed at Invitae indicates that this missense variant is not expected to disrupt IL21R protein function. In summary, the available evidence is currently insufficient to determine the role of this variant in disease. Therefore, it has been classified as a Variant of Uncertain Significance.

NM_181078.3(IL21R):c.680C>T (p.Ser227Leu)

Gene: IL21R (interleukin 21 receptor; plus strand). Cytogenetic location: 16p12.1.
Variant type: single nucleotide variant.
Coding change: c.680C>T on transcript NM_181078.3 (MANE Select); coding-DNA position 680, C replaced by T.
Protein change: p.Ser227Leu; replaces serine 227 with leucine.
Molecular consequence: missense variant.
Genome position (GRCh38, 1-based): chr16:27,444,714, C>T. VCF-style: chr16-27444714-C-T. GRCh37 (hg19) VCF-style: chr16-27456035-C-T.
Other names: c.680C>T, p.Ser227Leu (NM_021798.4); c.746C>T, p.Ser249Leu (NM_181079.5); short protein forms S227L, S249L.
Identifiers: ClinVar variation 2900027 (VCV002900027.3), dbSNP rs1265073922, ClinGen allele CA395304031.